The following is an entry in ClinVar:

NM_002734.5(PRKAR1A):c.*795G>T

Gene: PRKAR1A (protein kinase cAMP-dependent type I regulatory subunit alpha; plus strand). Cytogenetic location: 17q24.2.
Variant type: single nucleotide variant.
Coding change: c.*795G>T on transcript NM_002734.5 (MANE Select); 795 bases downstream of the stop codon, G replaced by T.
Molecular consequence: 3 prime UTR variant. On other transcripts: intron variant (1).
Genome position (GRCh38, 1-based): chr17:68,531,244, G>T. VCF-style: chr17-68531244-G-T. GRCh37 (hg19) VCF-style: chr17-66527385-G-T.
Other names: c.*795G>T (NM_001276289.2, NM_001278433.2, NM_001369389.1 and 3 more transcripts); c.973+1243G>T (NM_001276290.1).
Identifiers: ClinVar variation 324797 (VCV000324797.5), dbSNP rs150031305, ClinGen allele CA10640363.

ClinVar aggregate classification (germline): Benign. Review status: criteria provided, single submitter (1 of 4 stars). 2 submissions from 1 submitter: Benign (2). Last evaluated 2018-01-13.

Conditions:
Carney complex, type 1 (CNC1). Also called: CARNEY COMPLEX, TYPE I; CARNEY MYXOMA-ENDOCRINE COMPLEX. Identifiers: Orphanet 1359, MedGen C2607929, MONDO:0008057, OMIM 160980.
Acrodysostosis 1 with or without hormone resistance (ACRDYS1). Also called: ACRODYSOSTOSIS WITH HORMONE RESISTANCE; ACRODYSOSTOSIS 1 WITH HORMONE RESISTANCE; ACRODYSOSTOSIS 1 WITHOUT HORMONE RESISTANCE. Identifiers: Orphanet 280651, MedGen C3276228, MONDO:0007044, OMIM 101800.

Allele frequency attached by ClinVar (database versions not stated): gnomAD 0.00515 and 0.00544; TOPMed 0.00573; 1000 Genomes Project 30x 0.00578; 1000 Genomes Project 0.00599.
gnomAD v4.1: 1,588 of 1,066,370 alleles (0.15%); highest among the groups gnomAD compares: African/African-American, 1.6%; 21 homozygotes.

Submissions (2):

Illumina Laboratory Services, Illumina
Classification: Benign for Acrodysostosis 1 with or without hormone resistance. Last evaluated: 2018-01-13. Review status: criteria provided, single submitter. Criteria: ICSL Variant Classification Criteria 13 December 2019. Collection method: clinical testing. Allele origin: germline.
Comment: This variant was observed in the ICSL laboratory as part of a predisposition screen in an ostensibly healthy population. It had not been previously curated by ICSL or reported in the Human Gene Mutation Database (HGMD: prior to June 1st, 2018), and was therefore a candidate for classification through an automated scoring system. Utilizing variant allele frequency, disease prevalence and penetrance estimates, and inheritance mode, an automated score was calculated to assess if this variant is too frequent to cause the disease. Based on the score and internal cut-off values, a variant classified as benign is not then subjected to further curation. The score for this variant resulted in a classification of benign for this disease.

Illumina Laboratory Services, Illumina
Classification: Benign for Carney complex, type 1. Last evaluated: 2018-01-13. Review status: criteria provided, single submitter. Criteria: ICSL Variant Classification Criteria 13 December 2019. Collection method: clinical testing. Allele origin: germline.
Comment: the same text as in the submission from Illumina Laboratory Services, Illumina above.